The following is an entry in ClinVar:

ClinVar aggregate classification (germline): Uncertain significance (1 of 4 stars; one submission).

Conditions:
Progressive myoclonic epilepsy type 3. Also called: EPILEPSY, PROGRESSIVE MYOCLONIC, 3, WITH OR WITHOUT INTRACELLULAR INCLUSIONS; CEROID LIPOFUSCINOSIS, NEURONAL, 14; EPILEPSY, PROGRESSIVE MYOCLONIC, 3, WITHOUT INTRACELLULAR INCLUSIONS; KCTD7-Related Progressive Myoclonic Epilepsy. Identifiers: Orphanet 263516, MedGen C2673257, MONDO:0012721, OMIM 611726.

Submission:

Excellence Center for Genomics and Precision Medicine, King Chulalongkorn Memorial Hospital
Classification: Uncertain significance for Progressive myoclonic epilepsy type 3. Last evaluated: 2025-10-01. Review status: criteria provided, single submitter. Criteria: ACMG Guidelines, 2015. Collection method: clinical testing. Allele origin: germline. Affected: yes.
Comment: PM3, PM2_supporting

NM_153033.5(KCTD7):c.445G>T (p.Gly149Cys)

Gene: KCTD7 (potassium channel tetramerization domain containing 7; plus strand). Cytogenetic location: 7q11.21.
Variant type: single nucleotide variant.
Coding change: c.445G>T on transcript NM_153033.5 (MANE Select); coding-DNA position 445, G replaced by T.
Protein change: p.Gly149Cys; replaces glycine 149 with cysteine.
Molecular consequence: missense variant.
Genome position (GRCh38, 1-based): chr7:66,638,383, G>T. VCF-style: chr7-66638383-G-T. GRCh37 (hg19) VCF-style: chr7-66103370-G-T.
Other names: c.445G>T, p.Gly149Cys (NM_001167961.2); short protein forms G149C.
Identifiers: ClinVar variation 4538545 (VCV004538545.1).
Genomic context (GRCh38, chr7:66,638,383, plus strand): 5'-GCCCAGTACTATGCCATCGGGCCCCTCCTGGAGCAGCTGGAGAACATGCAGCCACTGAAG[G>T]GCGAGAAGGTGCGCCAAGCGTTTCTGGGACTCATGCCCTATTACAAAGGTGAGGGTCAGC-3'
Protein context (NP_694578.1, residues 139-159): EQLENMQPLK[Gly149Cys]EKVRQAFLGL